The following is an entry in ClinVar:

ClinVar aggregate classification (germline): Uncertain significance (1 of 4 stars; one submission).

Submission:

Labcorp Genetics (formerly Invitae), Labcorp
Classification: Uncertain significance. Last evaluated: 2022-03-02. Review status: criteria provided, single submitter. Criteria: Invitae Variant Classification Sherloc (09022015). Collection method: clinical testing. Allele origin: germline.
Comment: This sequence change replaces phenylalanine, which is neutral and non-polar, with serine, which is neutral and polar, at codon 2372 of the CPLANE1 protein (p.Phe2372Ser). This variant is not present in population databases (gnomAD no frequency). This variant has not been reported in the literature in individuals affected with CPLANE1-related conditions. Advanced modeling of protein sequence and biophysical properties (such as structural, functional, and spatial information, amino acid conservation, physicochemical variation, residue mobility, and thermodynamic stability) performed at Invitae indicates that this missense variant is not expected to disrupt CPLANE1 protein function. In summary, the available evidence is currently insufficient to determine the role of this variant in disease. Therefore, it has been classified as a Variant of Uncertain Significance.

NM_001384732.1(CPLANE1):c.7115T>C (p.Phe2372Ser)

Gene: CPLANE1 (ciliogenesis and planar polarity effector complex subunit 1; minus strand). Cytogenetic location: 5p13.2.
Variant type: single nucleotide variant.
Coding change: c.7115T>C on transcript NM_001384732.1 (MANE Select); coding-DNA position 7115, T replaced by C.
Protein change: p.Phe2372Ser; replaces phenylalanine 2372 with serine.
Molecular consequence: missense variant.
Genome position (GRCh38, 1-based): chr5:37,168,909, A>G on the plus strand (T>C on the coding strand, the complement: CPLANE1 is on the minus strand). VCF-style: chr5-37168909-A-G. GRCh37 (hg19) VCF-style: chr5-37169011-A-G.
Other names: c.7115T>C, p.Phe2372Ser (NM_023073.4); short protein forms F2372S.
Identifiers: ClinVar variation 1450209 (VCV001450209.6), dbSNP rs2150930797, ClinGen allele CA359478072.